The following is an entry in ClinVar:

NM_033028.5(BBS4):c.1126dup (p.Leu376fs)

Gene: BBS4 (Bardet-Biedl syndrome 4; plus strand). Cytogenetic location: 15q24.1.
Variant type: Duplication.
Coding change: c.1126dup on transcript NM_033028.5 (MANE Select); coding-DNA position 1126, one base duplicated (C; older notation c.1126dupC).
Protein change: p.Leu376fs; shifts the reading frame from leucine 376.
Molecular consequence: frameshift variant. On other transcripts: non-coding transcript variant (2).
Genome position (GRCh38, 1-based): chr15:72,735,844, C duplicated; the last of 2 consecutive C bases (chr15:72,735,843-72,735,844); duplicating either gives the same sequence. VCF-style (leftmost placement, unchanged base first): chr15-72735842-A-AC. GRCh37 (hg19) VCF-style: chr15-73028183-A-AC.
Other names: c.610dup, p.Leu204fs (NM_001252678.2); c.1057dup, p.Leu353fs (NM_001320665.2); short protein forms L204fs, L353fs, L376fs.
Identifiers: ClinVar variation 966426 (VCV000966426.7), dbSNP rs2065911518, ClinGen allele CA1139664074.

ClinVar aggregate classification (germline): Pathogenic (1 of 4 stars; one submission).

Conditions:
Bardet-Biedl syndrome (BBS). Identifiers: Orphanet 110, MedGen C0752166, MONDO:0015229.

Submission:

Labcorp Genetics (formerly Invitae), Labcorp
Classification: Pathogenic for Bardet-Biedl syndrome. Last evaluated: 2022-06-27. Review status: criteria provided, single submitter. Criteria: Invitae Variant Classification Sherloc (09022015). Collection method: clinical testing. Allele origin: germline.
Comment: For these reasons, this variant has been classified as Pathogenic. ClinVar contains an entry for this variant (Variation ID: 966426). This variant has not been reported in the literature in individuals affected with BBS4-related conditions. This variant is not present in population databases (gnomAD no frequency). This sequence change creates a premature translational stop signal (p.Leu376Profs*34) in the BBS4 gene. It is expected to result in an absent or disrupted protein product. Loss-of-function variants in BBS4 are known to be pathogenic (PMID: 11381270, 12016587, 20177705, 27894351).

Literature cited by the submitters: PubMed 11381270; PubMed 12016587; PubMed 20177705; PubMed 27894351.